The following is an entry in ClinVar:

ClinVar aggregate classification (germline): Conflicting classifications of pathogenicity. Review status: criteria provided, conflicting classifications (1 of 4 stars). 2 submissions from 2 submitters: Pathogenic (1); Uncertain significance (1). Last evaluated 2024-07-17.

Conditions:
Cystic fibrosis (CF). Also called: MUCOVISCIDOSIS. Identifiers: Orphanet 586, MedGen C0010674, MONDO:0009061, OMIM 219700. Disease mechanism: loss of function.

Allele frequency attached by ClinVar (database versions not stated): gnomAD exomes below 0.00001.
gnomAD v4.1: 2 of 1,614,040 alleles (0.00012%); highest among the groups gnomAD compares: South Asian, 0.0022%; no homozygotes.

Submissions (2):

Women's Health and Genetics/Laboratory Corporation of America, LabCorp
Classification: Uncertain significance. Last evaluated: 2024-07-17. Review status: criteria provided, single submitter. Criteria: LabCorp Variant Classification Summary - May 2015. Collection method: clinical testing. Allele origin: germline.
Comment: Variant summary: CFTR c.668C>T (p.Ala223Val) results in a non-conservative amino acid change located in the ABC transporter type 1, transmembrane domain (IPR011527) of the encoded protein sequence. Three of five in-silico tools predict a benign effect of the variant on protein function. The variant was absent in 251402 control chromosomes. c.668C>T has been reported in the literature as compound heterozygous genotype in individuals affected with Cystic Fibrosis (Carr_2012). These data indicate that the variant may be associated with disease. To our knowledge, no experimental evidence demonstrating an impact on protein function has been reported. The following publication have been ascertained in the context of this evaluation (PMID: 22052625). ClinVar contains an entry for this variant (Variation ID: 2136598). Based on the evidence outlined above, the variant was classified as VUS-possibly pathogenic.

Labcorp Genetics (formerly Invitae), Labcorp
Classification: Pathogenic for Cystic fibrosis. Last evaluated: 2022-08-08. Review status: criteria provided, single submitter. Criteria: Invitae Variant Classification Sherloc (09022015). Collection method: clinical testing. Allele origin: germline.
Comment: For these reasons, this variant has been classified as Pathogenic. Algorithms developed to predict the effect of missense changes on protein structure and function (SIFT, PolyPhen-2, Align-GVGD) all suggest that this variant is likely to be tolerated. This missense change has been observed in individual(s) with cystic fibrosis (PMID: 22052625). In at least one individual the data is consistent with being in trans (on the opposite chromosome) from a pathogenic variant. It has also been observed to segregate with disease in related individuals. This variant is not present in population databases (gnomAD no frequency). This sequence change replaces alanine, which is neutral and non-polar, with valine, which is neutral and non-polar, at codon 223 of the CFTR protein (p.Ala223Val).

Literature cited by the submitters: PubMed 22052625 (cited by Women's Health and Genetics/Laboratory Corporation of America, LabCorp and Labcorp Genetics (formerly Invitae), Labcorp).

NM_000492.4(CFTR):c.668C>T (p.Ala223Val)

Gene: CFTR (CF transmembrane conductance regulator; plus strand). Cytogenetic location: 7q31.2.
Variant type: single nucleotide variant.
Coding change: c.668C>T on transcript NM_000492.4 (MANE Select); coding-DNA position 668, C replaced by T.
Protein change: p.Ala223Val; replaces alanine 223 with valine.
Molecular consequence: missense variant.
Genome position (GRCh38, 1-based): chr7:117,535,336, C>T. VCF-style: chr7-117535336-C-T. GRCh37 (hg19) VCF-style: chr7-117175390-C-T.
Other names: short protein forms A223V.
Identifiers: ClinVar variation 2136598 (VCV002136598.5), dbSNP rs2485017153, ClinGen allele CA368977001.
Genomic context (GRCh38, chr7:117,535,336, plus strand): 5'-TCGCTCCTTTGCAAGTGGCACTCCTCATGGGGCTAATCTGGGAGTTGTTACAGGCGTCTG[C>T]CTTCTGTGGACTTGGTTTCCTGATAGTCCTTGCCCTTTTTCAGGCTGGGCTAGGGAGAAT-3'
Protein context (NP_000483.3, residues 213-233): GLIWELLQAS[Ala223Val]FCGLGFLIVL